The following is an entry in ClinVar:

ClinVar aggregate classification (germline): Uncertain significance. Review status: criteria provided, multiple submitters, no conflicts (2 of 4 stars). 2 submissions from 2 submitters: Uncertain significance (2). Last evaluated 2022-09-13.

Allele frequency attached by ClinVar (database versions not stated): gnomAD 0.00001 and 0.00002; gnomAD exomes 0.00002; TOPMed 0.00002; ExAC 0.00003; ESP Exome Variant Server 0.00008; 1000 Genomes Project 30x 0.00016.
gnomAD v4.1: 33 of 1,612,628 alleles (0.002%); highest among the groups gnomAD compares: Admixed American, 0.005%; no homozygotes.

Submissions (2):

GeneDx
Classification: Uncertain significance. Last evaluated: 2022-09-13. Review status: criteria provided, single submitter. Criteria: GeneDx Variant Classification Process June 2021. Collection method: clinical testing. Allele origin: germline. Affected: yes.
Comment: Identified in multiple individuals with epistaxis in a family in published literature (Wooderchak-Donahue et al., 2019); In silico analysis supports that this missense variant does not alter protein structure/function; This variant is associated with the following publications: (PMID: 33811447, 30760892)

ARUP Laboratories, Molecular Genetics and Genomics, ARUP Laboratories
Classification: Uncertain significance. Last evaluated: 2018-12-28. Review status: criteria provided, single submitter. Criteria: ARUP Molecular Germline Variant Investigation Process. Collection method: clinical testing. Allele origin: germline.
Comment: The EPHB4 c.1330C>T; p.Arg444Trp variant (rs370505170), to our knowledge, is not reported in the medical literature or gene specific databases. In testing performed at ARUP Laboratories, this variant has been observed in three related individuals with epistaxis and/or capillary malformations. This variant is found on only six chromosomes in the Genome Aggregation Database, indicating it is not a common polymorphism. The arginine at codon 444 is moderately conserved, but computational analyses (SIFT: tolerated, PolyPhen-2: damaging) predict conflicting effects of this variant on protein structure/function. Due to limited information, the clinical significance of the p.Arg444Trp variant is uncertain at this time.

NM_004444.5(EPHB4):c.1330C>T (p.Arg444Trp)

Gene: EPHB4 (EPH receptor B4; minus strand). Cytogenetic location: 7q22.1.
Variant type: single nucleotide variant.
Coding change: c.1330C>T on transcript NM_004444.5 (MANE Select); coding-DNA position 1330, C replaced by T.
Protein change: p.Arg444Trp; replaces arginine 444 with tryptophan.
Molecular consequence: missense variant.
Genome position (GRCh38, 1-based): chr7:100,818,612, G>A on the plus strand (C>T on the coding strand, the complement: EPHB4 is on the minus strand). VCF-style: chr7-100818612-G-A. GRCh37 (hg19) VCF-style: chr7-100416234-G-A.
Other names: c.1330C>T (NM_004444.4); short protein forms R444W.
Identifiers: ClinVar variation 811866 (VCV000811866.9), dbSNP rs370505170, ClinGen allele CA4393024.